The following is an entry in ClinVar:

NM_001453.3(FOXC1):c.1491C>G (p.Tyr497Ter)

Gene: FOXC1 (forkhead box C1; plus strand). Cytogenetic location: 6p25.3.
Variant type: single nucleotide variant.
Coding change: c.1491C>G on transcript NM_001453.3 (MANE Select); coding-DNA position 1491, C replaced by G.
Protein change: p.Tyr497Ter; replaces tyrosine 497 with a stop codon.
Molecular consequence: nonsense.
Genome position (GRCh38, 1-based): chr6:1,611,936, C>G. VCF-style: chr6-1611936-C-G. GRCh37 (hg19) VCF-style: chr6-1612171-C-G.
Other names: short protein forms Y497*.
Identifiers: ClinVar variation 375432 (VCV000375432.3), dbSNP rs760676014, ClinGen allele CA16044271.
Genomic context (GRCh38, chr6:1,611,936, plus strand): 5'-GGCGGGCGGAGACCTGGGCCACTTGGCGAGCGCGGCGGCGGCGGCGGCGGCCGCAGGCTA[C>G]CCGGGCCAGCAGCAGAACTTCCACTCGGTGCGGGAGATGTTCGAGTCACAGAGGATCGGC-3'

ClinVar aggregate classification (germline): Pathogenic (0 of 4 stars; one submission).

Conditions:
Axenfeld-Rieger syndrome type 3 (RIEG3). Also called: AXENFELD-RIEGER ANOMALY WITH CARDIAC DEFECTS AND/OR SENSORINEURAL HEARING LOSS. Identifiers: Orphanet 782, MedGen C2678503, MONDO:0011233, OMIM 602482.

Submission:

Genetics and Molecular Pathology, SA Pathology
Classification: Pathogenic for Axenfeld-Rieger syndrome type 3. Last evaluated: 2015-07-01. Review status: no assertion criteria provided. Collection method: clinical testing. Allele origin: unknown. Inheritance: Autosomal dominant inheritance. Affected: yes. Observed: 2 variant alleles, 2 heterozygotes.
Comment: Non-sense codon introduces premature terminating codon (PTC) effecting functional haploinufficiency; clinical significance consistent with FOXC1 PTC variants found upstream and down stream of this position - each regarded as pathogenic in published literature.